The following is an entry in ClinVar:

ClinVar aggregate classification (germline): Pathogenic. Review status: criteria provided, multiple submitters, no conflicts (2 of 4 stars). 2 submissions from 2 submitters: Pathogenic (2). Last evaluated 2026-06-01.

Conditions:
Familial hypobetalipoproteinemia 1. Also called: Hypobetalipoproteinemia, normotriglyceridemic; Acanthocytosis with hypobetalipoproteinemia; APOB-Related Familial Hypobetalipoproteinemia. Identifiers: MedGen C4551990, MONDO:0014252, OMIM 615558.
Hypercholesterolemia, autosomal dominant, type B (FHCL2). Also called: Familial Hypercholesterolemia Type B; APOLIPOPROTEIN B-100, FAMILIAL DEFECTIVE; APOLIPOPROTEIN B-100, FAMILIAL LIGAND-DEFECTIVE; HYPERCHOLESTEROLEMIA, FAMILIAL, DUE TO LIGAND-DEFECTIVE APOLIPOPROTEIN B; APOB-Related Familial Hypercholesterolemia, Autosomal Dominant; Hyperlipoproteinemia Type IIb. Identifiers: MedGen C1704417, MONDO:0007751, OMIM 144010.

Submissions (2):

CeGaT Center for Human Genetics Tuebingen
Classification: Pathogenic. Last evaluated: 2026-06-01. Review status: criteria provided, single submitter. Criteria: CeGaT Center For Human Genetics Tuebingen Variant Classification Criteria Version 2. Collection method: clinical testing. Allele origin: germline. Affected: yes. Observed: 1 variant allele.
Comment: APOB: PVS1, PM2

Labcorp Genetics (formerly Invitae), Labcorp
Classification: Pathogenic for Familial hypobetalipoproteinemia 1; Hypercholesterolemia, autosomal dominant, type B. Last evaluated: 2025-02-09. Review status: criteria provided, single submitter. Criteria: Invitae Variant Classification Sherloc (09022015). Collection method: clinical testing. Allele origin: germline.
Comment: This sequence change creates a premature translational stop signal (p.Leu1345Cysfs*12) in the APOB gene. It is expected to result in an absent or disrupted protein product. Loss-of-function variants in APOB are known to be pathogenic (PMID: 20032471). This variant is not present in population databases (gnomAD no frequency). This variant has not been reported in the literature in individuals affected with APOB-related conditions. For these reasons, this variant has been classified as Pathogenic.

Literature cited by the submitters: PubMed 20032471 (cited by Labcorp Genetics (formerly Invitae), Labcorp).

NM_000384.3(APOB):c.4034del (p.Leu1345fs)

Gene: APOB (apolipoprotein B; minus strand). Cytogenetic location: 2p24.1.
Variant type: Deletion.
Coding change: c.4034del on transcript NM_000384.3 (MANE Select); coding-DNA position 4034, one base deleted (T; older notation c.4034delT).
Protein change: p.Leu1345fs; shifts the reading frame from leucine 1345.
Molecular consequence: frameshift variant.
Genome position (GRCh38, 1-based): chr2:21,013,342, A deleted on the plus strand (T on the coding strand, the reverse complement: APOB is on the minus strand); the first of 2 consecutive A bases (chr2:21,013,342-21,013,343); deleting either gives the same sequence. VCF-style (leftmost placement, unchanged base first): chr2-21013341-CA-C. GRCh37 (hg19) VCF-style: chr2-21236213-CA-C.
Other names: short protein forms L1345fs.
Identifiers: ClinVar variation 4784103 (VCV004784103.3).